The following is an entry in ClinVar:

ClinVar aggregate classification (germline): Uncertain significance (1 of 4 stars; one submission).

Allele frequency attached by ClinVar (database versions not stated): TOPMed 0.00001.

Submission:

Labcorp Genetics (formerly Invitae), Labcorp
Classification: Uncertain significance. Last evaluated: 2022-06-20. Review status: criteria provided, single submitter. Criteria: Invitae Variant Classification Sherloc (09022015). Collection method: clinical testing. Allele origin: germline.
Comment: In summary, the available evidence is currently insufficient to determine the role of this variant in disease. Therefore, it has been classified as a Variant of Uncertain Significance. This variant is not present in population databases (gnomAD no frequency). This variant has not been reported in the literature in individuals affected with MERTK-related conditions. ClinVar contains an entry for this variant (Variation ID: 941699). Algorithms developed to predict the effect of missense changes on protein structure and function are either unavailable or do not agree on the potential impact of this missense change (SIFT: "Deleterious"; PolyPhen-2: "Benign"; Align-GVGD: "Class C65"). This sequence change replaces cysteine, which is neutral and slightly polar, with tyrosine, which is neutral and polar, at codon 457 of the MERTK protein (p.Cys457Tyr).

NM_006343.3(MERTK):c.1370G>A (p.Cys457Tyr)

Gene: MERTK (MER proto-oncogene, tyrosine kinase; plus strand). Cytogenetic location: 2q13.
Variant type: single nucleotide variant.
Coding change: c.1370G>A on transcript NM_006343.3 (MANE Select); coding-DNA position 1370, G replaced by A.
Protein change: p.Cys457Tyr; replaces cysteine 457 with tyrosine.
Molecular consequence: missense variant.
Genome position (GRCh38, 1-based): chr2:111,994,324, G>A. VCF-style: chr2-111994324-G-A. GRCh37 (hg19) VCF-style: chr2-112751901-G-A.
Other names: short protein forms C457Y.
Identifiers: ClinVar variation 941699 (VCV000941699.9), dbSNP rs1245959105, ClinGen allele CA348229978.